The following is an entry in ClinVar:

ClinVar aggregate classification (germline): Uncertain significance (1 of 4 stars; one submission).

Submission:

Labcorp Genetics (formerly Invitae), Labcorp
Classification: Uncertain significance. Last evaluated: 2021-04-23. Review status: criteria provided, single submitter. Criteria: Invitae Variant Classification Sherloc (09022015). Collection method: clinical testing. Allele origin: germline.
Comment: In summary, the available evidence is currently insufficient to determine the role of this variant in disease. Therefore, it has been classified as a Variant of Uncertain Significance. Algorithms developed to predict the effect of missense changes on protein structure and function (SIFT, PolyPhen-2, Align-GVGD) all suggest that this variant is likely to be tolerated, but these predictions have not been confirmed by published functional studies and their clinical significance is uncertain. This variant has not been reported in the literature in individuals with RAI1-related conditions. This variant is not present in population databases (ExAC no frequency). This sequence change replaces glutamic acid with lysine at codon 1296 of the RAI1 protein (p.Glu1296Lys). The glutamic acid residue is highly conserved and there is a small physicochemical difference between glutamic acid and lysine.

NM_030665.4(RAI1):c.3886G>A (p.Glu1296Lys)

Gene: RAI1 (retinoic acid induced 1; plus strand). Cytogenetic location: 17p11.2.
Variant type: single nucleotide variant.
Coding change: c.3886G>A on transcript NM_030665.4 (MANE Select); coding-DNA position 3886, G replaced by A.
Protein change: p.Glu1296Lys; replaces glutamic acid 1296 with lysine.
Molecular consequence: missense variant.
Genome position (GRCh38, 1-based): chr17:17,796,834, G>A. VCF-style: chr17-17796834-G-A. GRCh37 (hg19) VCF-style: chr17-17700148-G-A.
Other names: short protein forms E1296K.
Identifiers: ClinVar variation 1423636 (VCV001423636.8), dbSNP rs2143002819, ClinGen allele CA398555155.